The following is an entry in ClinVar:

NM_015425.6(POLR1A):c.3895G>A (p.Val1299Ile)

Gene: POLR1A (RNA polymerase I subunit A; minus strand). Cytogenetic location: 2p11.2.
Variant type: single nucleotide variant.
Coding change: c.3895G>A on transcript NM_015425.6 (MANE Select); coding-DNA position 3895, G replaced by A.
Protein change: p.Val1299Ile; replaces valine 1299 with isoleucine.
Molecular consequence: missense variant.
Genome position (GRCh38, 1-based): chr2:86,038,839, C>T on the plus strand (G>A on the coding strand, the complement: POLR1A is on the minus strand). VCF-style: chr2-86038839-C-T. GRCh37 (hg19) VCF-style: chr2-86265962-C-T.
Other names: c.3895G>A (NM_015425.3); short protein forms V1299I.
Identifiers: ClinVar variation 1924183 (VCV001924183.6), dbSNP rs751377255, ClinGen allele CA1745644.

ClinVar aggregate classification (germline): Uncertain significance. Review status: criteria provided, multiple submitters, no conflicts (2 of 4 stars). 2 submissions from 2 submitters: Uncertain significance (2). Last evaluated 2025-10-30.

Conditions:
Inborn genetic diseases. Identifiers: MedGen C0950123, MeSH D030342.

Allele frequency attached by ClinVar (database versions not stated): TOPMed 0.00001.
gnomAD v4.1: 14 of 1,614,068 alleles (0.00087%); highest among the groups gnomAD compares: East Asian, 0.0067%; no homozygotes.

Submissions (2):

Ambry Genetics
Classification: Uncertain significance for Inborn genetic diseases. Last evaluated: 2025-10-30. Review status: criteria provided, single submitter. Criteria: Ambry Variant Classification Scheme 2023. Collection method: clinical testing. Allele origin: germline.

Labcorp Genetics (formerly Invitae), Labcorp
Classification: Uncertain significance. Last evaluated: 2023-10-22. Review status: criteria provided, single submitter. Criteria: Invitae Variant Classification Sherloc (09022015). Collection method: clinical testing. Allele origin: germline.
Comment: This sequence change replaces valine, which is neutral and non-polar, with isoleucine, which is neutral and non-polar, at codon 1299 of the POLR1A protein (p.Val1299Ile). This variant is present in population databases (rs751377255, gnomAD 0.002%). This variant has not been reported in the literature in individuals affected with POLR1A-related conditions. ClinVar contains an entry for this variant (Variation ID: 1924183). Advanced modeling of protein sequence and biophysical properties (such as structural, functional, and spatial information, amino acid conservation, physicochemical variation, residue mobility, and thermodynamic stability) performed at Invitae indicates that this missense variant is not expected to disrupt POLR1A protein function. In summary, the available evidence is currently insufficient to determine the role of this variant in disease. Therefore, it has been classified as a Variant of Uncertain Significance.